The following is an entry in ClinVar:

ClinVar aggregate classification (germline): Likely benign (1 of 4 stars; one submission).

Conditions:
Sessile serrated polyposis cancer syndrome (SSPCS). Identifiers: Orphanet 157798, MedGen C4310714, MONDO:0014919, OMIM 617108.

Submission:

Myriad Genetics, Inc.
Classification: Likely benign for Sessile serrated polyposis cancer syndrome. Last evaluated: 2026-06-26. Review status: criteria provided, single submitter. Criteria: Myriad Autosomal Dominant, Autosomal Recessive and X-Linked Classification Criteria (2023). Collection method: clinical testing. Allele origin: unknown.
Comment: This variant is considered likely benign. This variant is intronic and is not expected to impact mRNA splicing.

NM_017763.6(RNF43):c.953-17T>C

Gene: RNF43 (ring finger protein 43; minus strand). Cytogenetic location: 17q22.
Variant type: single nucleotide variant.
Coding change: c.953-17T>C on transcript NM_017763.6 (MANE Select); 17 bases into the intron before coding-DNA position 953, T replaced by C.
Molecular consequence: intron variant.
Genome position (GRCh38, 1-based): chr17:58,358,840, A>G on the plus strand (T>C on the coding strand, the complement: RNF43 is on the minus strand). VCF-style: chr17-58358840-A-G. GRCh37 (hg19) VCF-style: chr17-56436201-A-G.
Other names: c.953-17T>C (NM_001438822.1, NM_001305544.3, NM_001438820.1 and 1 more transcripts); c.572-17T>C (NM_001305545.2, NM_001437987.1).
Identifiers: ClinVar variation 4875700 (VCV004875700.1).